The following is an entry in ClinVar:

ClinVar aggregate classification (germline): Likely pathogenic (1 of 4 stars; one submission).

Conditions:
Intellectual developmental disorder, X-linked, syndromic, Stocco dos Santos type. Also called: STOCCO DOS SANTOS X-LINKED MENTAL RETARDATION SYNDROME; Stocco dos Santos syndrome; X-linked intellectual disability, Stocco dos Santos type. Identifiers: Orphanet 85288, MedGen C1845530, MONDO:0010325, OMIM 300434.

Submission:

3billion
Classification: Likely pathogenic for Intellectual developmental disorder, X-linked, syndromic, Stocco dos Santos type. Last evaluated: 2021-10-25. Review status: criteria provided, single submitter. Criteria: ACMG Guidelines, 2015. Collection method: clinical testing. Allele origin: unknown. Affected: yes. Observed: 1 hemizygote.
Comment: Canonical splice site: predicted to alter splicing and result in a loss or disruption of normal protein function through nonsense-mediated decay (NMD) or protein truncation. Multiple pathogenic variants are reported downstream of the variant. It is not observed in the gnomAD v2.1.1 dataset (PM2). Therefore, this variant is classified as likley pathogenic according to the recommendation of ACMG/AMP guideline.

NM_020717.5(SHROOM4):c.4212+1G>A

Gene: SHROOM4 (shroom family member 4; minus strand). Cytogenetic location: Xp11.22.
Variant type: single nucleotide variant.
Coding change: c.4212+1G>A on transcript NM_020717.5 (MANE Select); the canonical splice donor site of the intron after coding-DNA position 4212, G replaced by A.
Molecular consequence: splice donor variant.
Genome position (GRCh38, 1-based): chrX:50,598,265, C>T on the plus strand (G>A on the coding strand, the complement: SHROOM4 is on the minus strand). VCF-style: chrX-50598265-C-T. GRCh37 (hg19) VCF-style: chrX-50341265-C-T.
Identifiers: ClinVar variation 1321285 (VCV001321285.1), dbSNP rs2147209054, ClinGen allele CA413099501.
Genomic context (GRCh38, chrX:50,598,265, plus strand): 5'-AGCCCTGAGAAGAAACAAATGGTATTTCCCTCTACCCACACCCCACAGACCCCAACTCTA[C>T]CTTCTCCTGGTTGGCCTCTGAATCGATGCTGTTCAGAGCATTCTCCACCCGGGCCAGTCG-3'